The following is an entry in ClinVar:

NC_000003.11:g.(?_10070342)_(10085296_?)del

Gene: FANCD2 (FA complementation group D2; plus strand). Cytogenetic location: 3p25.3.
Variant type: Deletion.
Identifiers: ClinVar variation 3246817 (VCV003246817.1).

ClinVar aggregate classification (germline): Pathogenic (1 of 4 stars; one submission).

Conditions:
Fanconi anemia (FA). Also called: Fanconi's anemia. Identifiers: Orphanet 84, MedGen C0015625, MeSH D005199, MONDO:0019391.

Submission:

Labcorp Genetics (formerly Invitae), Labcorp
Classification: Pathogenic for Fanconi anemia. Last evaluated: 2023-09-23. Review status: criteria provided, single submitter. Criteria: Invitae Variant Classification Sherloc (09022015). Collection method: clinical testing. Allele origin: unknown.
Comment: This variant is a gross deletion of the genomic region encompassing exon(s) 2-13 of the FANCD2 gene, which includes the initiator codon. This deletion extends beyond the assayed region for this gene and therefore may encompass additional genes. It is expected to result in an absent or disrupted protein product. Loss-of-function variants in FANCD2 are known to be pathogenic (PMID: 17436244). This variant has not been reported in the literature in individuals affected with FANCD2-related conditions. For these reasons, this variant has been classified as Pathogenic.

Literature cited by the submitters: PubMed 17436244.